The following is an entry in ClinVar:

ClinVar aggregate classification (germline): Uncertain significance (1 of 4 stars; one submission).

Submission:

GeneDx
Classification: Uncertain significance. Last evaluated: 2023-08-07. Review status: criteria provided, single submitter. Criteria: GeneDx Variant Classification Process June 2021. Collection method: clinical testing. Allele origin: germline. Affected: yes.
Comment: Not observed at significant frequency in large population cohorts (gnomAD); Canonical splice site variant in a gene or region of a gene for which loss of function is not a well-established mechanism of disease; Has not been previously published as pathogenic or benign to our knowledge

NM_001394062.1(MACF1):c.3946-2A>G

Gene: MACF1 (microtubule actin crosslinking factor 1; plus strand). Cytogenetic location: 1p34.3.
Variant type: single nucleotide variant.
Coding change: c.3946-2A>G on transcript NM_001394062.1 (MANE Select); the canonical splice acceptor site of the intron before coding-DNA position 3946, A replaced by G.
Molecular consequence: splice acceptor variant.
Genome position (GRCh38, 1-based): chr1:39,319,662, A>G. VCF-style: chr1-39319662-A-G. GRCh37 (hg19) VCF-style: chr1-39785334-A-G.
Other names: c.3961-2A>G (NM_012090.5).
Identifiers: ClinVar variation 2575526 (VCV002575526.1), dbSNP rs2521859395, ClinGen allele CA339789106.
Genomic context (GRCh38, chr1:39,319,662, plus strand): 5'-AATGTTCAGCTCTTTCAATGGTGGTAATGGCAATGATAATGTTGTGATATTTTGCTTCCT[A>G]GGCCCTATTTGCAGAAATTGAGAGAAATCAGACAAAACTGGATCAATGTCAAAAATTTTC-3'